The following is an entry in ClinVar:

NM_006514.4(SCN10A):c.929G>A (p.Cys310Tyr)

Gene: SCN10A (sodium voltage-gated channel alpha subunit 10; minus strand). Cytogenetic location: 3p22.2.
Variant type: single nucleotide variant.
Coding change: c.929G>A on transcript NM_006514.4 (MANE Select); coding-DNA position 929, G replaced by A.
Protein change: p.Cys310Tyr; replaces cysteine 310 with tyrosine.
Molecular consequence: missense variant.
Genome position (GRCh38, 1-based): chr3:38,760,702, C>T on the plus strand (G>A on the coding strand, the complement: SCN10A is on the minus strand). VCF-style: chr3-38760702-C-T. GRCh37 (hg19) VCF-style: chr3-38802193-C-T.
Other names: c.929G>A, p.Cys310Tyr (NM_001293306.2, NM_001293307.2); short protein forms C310Y.
Identifiers: ClinVar variation 1766462 (VCV001766462.2), dbSNP rs773986296, ClinGen allele CA2321021.

ClinVar aggregate classification (germline): Uncertain significance (1 of 4 stars; one submission).

Conditions:
Cardiovascular phenotype. Identifiers: MedGen CN230736.

Allele frequency attached by ClinVar (database versions not stated): TOPMed below 0.00001; gnomAD 0.00001; ExAC 0.00002; gnomAD exomes 0.00002.
gnomAD v4.1: 26 of 1,614,000 alleles (0.0016%); highest among the groups gnomAD compares: Non-Finnish European, 0.0022%; no homozygotes.

Submission:

Ambry Genetics
Classification: Uncertain significance for Cardiovascular phenotype. Last evaluated: 2022-07-08. Review status: criteria provided, single submitter. Criteria: Ambry Variant Classification Scheme 2023. Collection method: clinical testing. Allele origin: germline.
Comment: The p.C310Y variant (also known as c.929G>A), located in coding exon 7 of the SCN10A gene, results from a G to A substitution at nucleotide position 929. The cysteine at codon 310 is replaced by tyrosine, an amino acid with highly dissimilar properties. This amino acid position is conserved. In addition, this alteration is predicted to be deleterious by in silico analysis. Since supporting evidence is limited at this time, the clinical significance of this alteration remains unclear.